The following is an entry in ClinVar:

ClinVar aggregate classification (germline): Uncertain significance (1 of 4 stars; one submission).

Conditions:
Cardiovascular phenotype. Identifiers: MedGen CN230736.

Submission:

Ambry Genetics
Classification: Uncertain significance for Cardiovascular phenotype. Last evaluated: 2020-08-24. Review status: criteria provided, single submitter. Criteria: Ambry Variant Classification Scheme 2023. Collection method: clinical testing. Allele origin: germline.
Comment: The p.E242G variant (also known as c.725A>G), located in coding exon 8 of the ACTN2 gene, results from an A to G substitution at nucleotide position 725. The glutamic acid at codon 242 is replaced by glycine, an amino acid with similar properties. This amino acid position is highly conserved in available vertebrate species. In addition, this alteration is predicted to be deleterious by in silico analysis. Since supporting evidence is limited at this time, the clinical significance of this alteration remains unclear.

NM_001103.4(ACTN2):c.725A>G (p.Glu242Gly)

Gene: ACTN2 (actinin alpha 2; plus strand). Cytogenetic location: 1q43.
Variant type: single nucleotide variant.
Coding change: c.725A>G on transcript NM_001103.4 (MANE Select); coding-DNA position 725, A replaced by G.
Protein change: p.Glu242Gly; replaces glutamic acid 242 with glycine.
Molecular consequence: missense variant. On other transcripts: 5 prime UTR variant (1), intron variant (1).
Genome position (GRCh38, 1-based): chr1:236,735,662, A>G. VCF-style: chr1-236735662-A-G. GRCh37 (hg19) VCF-style: chr1-236898962-A-G.
Other names: c.-11A>G (NM_001278344.2); c.-136A>G (NM_001412150.1); c.783+1144A>G (NM_001278343.2); short protein forms E242G.
Identifiers: ClinVar variation 1757945 (VCV001757945.2), dbSNP rs2527587049, ClinGen allele CA345377417.